The following is an entry in ClinVar:

ClinVar aggregate classification (germline): Likely benign (1 of 4 stars; one submission).

Allele frequency attached by ClinVar (database versions not stated): 1000 Genomes Project 30x 0.00047; gnomAD exomes 0.00072; gnomAD 0.00056; ExAC 0.00074; 1000 Genomes Project 0.00040; ESP Exome Variant Server 0.00041; TOPMed 0.00057.
gnomAD v4.1: 1,155 of 1,613,882 alleles (0.072%); highest among the groups gnomAD compares: Non-Finnish European, 0.067%; 2 homozygotes.

Submission:

CeGaT Center for Human Genetics Tuebingen
Classification: Likely benign. Last evaluated: 2026-03-01. Review status: criteria provided, single submitter. Criteria: CeGaT Center For Human Genetics Tuebingen Variant Classification Criteria Version 2. Collection method: clinical testing. Allele origin: germline. Affected: yes. Observed: 2 variant alleles.
Comment: CT62: BP4, BP7

NM_001394532.1(THSD4):c.-80+14235G>A

Genes: CT62 (cancer/testis associated 62; minus strand), THSD4 (thrombospondin type 1 domain containing 4; plus strand). Cytogenetic location: 15q23.
Variant type: single nucleotide variant.
Coding change: c.-80+14235G>A on transcript NM_001394532.1; 14235 bases into the intron after 80 bases upstream of the start codon, G replaced by A.
Molecular consequence: intron variant. On other transcripts: non-coding transcript variant (2).
Genome position (GRCh38, 1-based): chr15:71,111,241, G>A. VCF-style: chr15-71111241-G-A. GRCh37 (hg19) VCF-style: chr15-71403580-G-A.
Identifiers: ClinVar variation 2645497 (VCV002645497.22), dbSNP rs375302695, ClinGen allele CA7638869.